The following is an entry in ClinVar:

ClinVar aggregate classification (germline): Likely pathogenic. Review status: criteria provided, multiple submitters, no conflicts (2 of 4 stars). 3 submissions from 3 submitters: Likely pathogenic (3). Last evaluated 2024-05-13.

Conditions:
PANK2-related disorder. Also called: PANK2-related condition.
Pigmentary pallidal degeneration (NBIA1). Also called: Pantothenate Kinase-Associated Neurodegeneration; Neuroaxonal dystrophy, late infantile; Hallervorden-Spatz disease; Neurodegeneration with brain iron accumulation 1; PKAN NEUROAXONAL DYSTROPHY, JUVENILE-ONSET; HARP SYNDROME. Identifiers: Orphanet 157850, MedGen C0018523, MONDO:0009319, OMIM 234200.

Submissions (3):

Blueprint Genetics
Classification: Likely pathogenic for PANK2-related disorders. Last evaluated: 2024-05-13. Review status: criteria provided, single submitter. Criteria: ACMG Guidelines, 2015. Collection method: clinical testing. Allele origin: germline. Affected: yes. Observed: 4 variant alleles.

Revvity Omics, Revvity
Classification: Likely pathogenic. Last evaluated: 2022-07-06. Review status: criteria provided, single submitter. Criteria: ACMG Guidelines, 2015. Collection method: clinical testing. Allele origin: germline.

Kasturba Medical College, Manipal, Kasturba Medical College, Manipal, Manipal Academy of Higher Education, Manipal, India
Classification: Likely pathogenic for Pigmentary pallidal degeneration. Review status: criteria provided, single submitter. Criteria: ACMG Guidelines, 2015. Collection method: research. Allele origin: biparental. Inheritance: Autosomal recessive inheritance. Affected: yes. Observed: 1 homozygote.
Comment: This variant is reported in heterozygous state in 51 individuals in the gnomAD database (v4.1.0) and in 12 individuals in our in-house database of 3396 individuals. The same variant is absent in homozygous state in gnomAD and our in-house database. This variant is predicted to introduce a premature termination codon which may either cause the transcript to undergo nonsense-mediated mRNA decay (NMD) or result in a truncated protein product.

NM_001386393.1(PANK2):c.8dup (p.Leu5fs)

Genes: PANK2 (pantothenate kinase 2; plus strand), LOC130065345 (ATAC-STARR-seq lymphoblastoid silent region 12635; plus strand). Cytogenetic location: 20p13.
Variant type: Duplication.
Coding change: c.8dup on transcript NM_001386393.1 (MANE Select); coding-DNA position 8, one base duplicated (G; older notation c.8dupG).
Protein change: p.Leu5fs; shifts the reading frame from leucine 5.
Molecular consequence: frameshift variant, initiator codon variant. On other transcripts: 5 prime UTR variant (1), non-coding transcript variant (1), intron variant (1).
Genome position (GRCh38, 1-based): chr20:3,889,438, G duplicated; the last of 6 consecutive G bases (chr20:3,889,433-3,889,438); duplicating any one gives the same sequence. VCF-style (leftmost placement, unchanged base first): chr20-3889432-T-TG. GRCh37 (hg19) VCF-style: chr20-3870079-T-TG.
Other names: c.338dup (NM_153638.3); c.-704dup (NM_001324191.2); c.338dup, p.Leu115fs (NM_001324192.1, NM_153638.4); c.-246+534dup (NM_024960.6); short protein forms L115fs, L5fs.
Identifiers: ClinVar variation 1324846 (VCV001324846.8), dbSNP rs529267374, ClinGen allele CA9750550.